The following is an entry in ClinVar:

ClinVar aggregate classification (germline): Pathogenic/Likely pathogenic. Review status: criteria provided, multiple submitters, no conflicts (2 of 4 stars). 2 submissions from 2 submitters: Pathogenic (1); Likely pathogenic (1). Last evaluated 2016-08-08.

Conditions:
Duchenne muscular dystrophy (DMD). Also called: MUSCULAR DYSTROPHY, PSEUDOHYPERTROPHIC PROGRESSIVE, DUCHENNE TYPE; Duchenne Muscular Dystrophy (DMD). Identifiers: Orphanet 98896, MedGen C0013264, MONDO:0010679, OMIM 310200.

Submissions (2):

Labcorp Genetics (formerly Invitae), Labcorp
Classification: Pathogenic for Duchenne muscular dystrophy. Last evaluated: 2016-08-08. Review status: criteria provided, single submitter. Criteria: Invitae Variant Classification Sherloc (09022015). Collection method: clinical testing. Allele origin: germline.
Comment: For these reasons, this variant has been classified as Pathogenic. Loss-of-function variants in DMD are known to be pathogenic. This particular variant has been reported in the literature in an individual affected with muscular dystrophy (PMID:25326637). This sequence change creates a premature translational stop signal at codon 1334 (p.Gly1334*) of the DMD gene. It is expected to result in an absent or disrupted protein product.

UCLA Clinical Genomics Center, UCLA
Classification: Likely pathogenic for Duchenne muscular dystrophy. Last evaluated: 2013-02-26. Review status: criteria provided, single submitter. Criteria: Lee et al. (JAMA. 2014). Collection method: clinical testing. Allele origin: unknown. Inheritance: X-linked inheritance. Affected: yes. Study: CES.

Literature cited by the submitters: PubMed 25326637 (cited by Labcorp Genetics (formerly Invitae), Labcorp).

NM_004006.3(DMD):c.4000G>T (p.Gly1334Ter)

Gene: DMD (dystrophin; minus strand). Cytogenetic location: Xp21.1.
Variant type: single nucleotide variant.
Coding change: c.4000G>T on transcript NM_004006.3 (MANE Select); coding-DNA position 4000, G replaced by T.
Protein change: p.Gly1334Ter; replaces glycine 1334 with a stop codon.
Molecular consequence: nonsense.
Genome position (GRCh38, 1-based): chrX:32,438,312, C>A on the plus strand (G>T on the coding strand, the complement: DMD is on the minus strand). VCF-style: chrX-32438312-C-A. GRCh37 (hg19) VCF-style: chrX-32456429-C-A.
Other names: c.3976G>T, p.Gly1326Ter (NM_000109.4); c.3988G>T, p.Gly1330Ter (NM_004009.3); c.3631G>T, p.Gly1211Ter (NM_004010.3); short protein forms G1334*, G1326*, G1330*, G1211*.
Identifiers: ClinVar variation 216919 (VCV000216919.47), dbSNP rs146880270, ClinGen allele CA347462.
Genomic context (GRCh38, chrX:32,438,312, plus strand): 5'-GTTCCCTCCAACGAGAATTAAATGTCTCAAGTTCCTCATTGATTAGCTCATCCATGACTC[C>A]GCCATCTGTTAGGGTCTGTGCCAATATGCGAATCTGATTTGGGTTATCCTCTGAATGTCG-3'